The following is an entry in ClinVar:

ClinVar aggregate classification (germline): Conflicting classifications of pathogenicity. Review status: criteria provided, conflicting classifications (1 of 4 stars). 2 submissions from 2 submitters: Uncertain significance (1); Likely benign (1). Last evaluated 2026-02-06.

Conditions:
Mitochondrial complex II deficiency, nuclear type 1. Also called: SUCCINATE CoQ REDUCTASE DEFICIENCY. Identifiers: Orphanet 3208, MedGen C5700310, MONDO:0100294, OMIM 252011.
Pheochromocytoma/paraganglioma syndrome 5. Also called: Paragangliomas 5; SDHA-Related Hereditary Paraganglioma-Pheochromocytoma Syndrome. Identifiers: Orphanet 29072, MedGen C3279992, MONDO:0013602, OMIM 614165.
Hereditary cancer-predisposing syndrome. Also called: Hereditary Cancer Syndrome; Neoplastic Syndromes, Hereditary; Tumor predisposition; Hereditary neoplastic syndrome. Identifiers: Orphanet 140162, MedGen C0027672, MeSH D009386, MONDO:0015356.

Submissions (2):

Ambry Genetics
Classification: Likely benign for Hereditary cancer-predisposing syndrome. Last evaluated: 2026-02-06. Review status: criteria provided, single submitter. Criteria: Ambry Variant Classification Scheme 2023. Collection method: clinical testing. Allele origin: germline.

Labcorp Genetics (formerly Invitae), Labcorp
Classification: Uncertain significance for Pheochromocytoma/paraganglioma syndrome 5; Mitochondrial complex II deficiency, nuclear type 1. Last evaluated: 2022-07-07. Review status: criteria provided, single submitter. Criteria: Invitae Variant Classification Sherloc (09022015). Collection method: clinical testing. Allele origin: germline.
Comment: In summary, the available evidence is currently insufficient to determine the role of this variant in disease. Therefore, it has been classified as a Variant of Uncertain Significance. This variant is not present in population databases (gnomAD no frequency). This variant has not been reported in the literature in individuals affected with SDHA-related conditions. This sequence change replaces threonine, which is neutral and polar, with arginine, which is basic and polar, at codon 24 of the SDHA protein (p.Thr24Arg). Advanced modeling of protein sequence and biophysical properties (such as structural, functional, and spatial information, amino acid conservation, physicochemical variation, residue mobility, and thermodynamic stability) performed at Invitae indicates that this missense variant is not expected to disrupt SDHA protein function.

NM_004168.4(SDHA):c.71C>G (p.Thr24Arg)

Gene: SDHA (succinate dehydrogenase complex flavoprotein subunit A; plus strand). Cytogenetic location: 5p15.33.
Variant type: single nucleotide variant.
Coding change: c.71C>G on transcript NM_004168.4 (MANE Select); coding-DNA position 71, C replaced by G.
Protein change: p.Thr24Arg; replaces threonine 24 with arginine.
Molecular consequence: missense variant.
Genome position (GRCh38, 1-based): chr5:223,489, C>G. VCF-style: chr5-223489-C-G. GRCh37 (hg19) VCF-style: chr5-223604-C-G.
Other names: c.71C>G (NM_004168.2); c.71C>G, p.Thr24Arg (NM_001294332.2, NM_001330758.2); short protein forms T24R.
Identifiers: ClinVar variation 2125858 (VCV002125858.7), dbSNP rs1196667387, ClinGen allele CA359008077.